The following is an entry in ClinVar:

ClinVar aggregate classification (germline): Likely pathogenic (1 of 4 stars; one submission).

Conditions:
alpha Thalassemia. Also called: Alpha thalassemia spectrum. Identifiers: Orphanet 846, MedGen C0002312, MONDO:0011399, OMIM 604131.

Submission:

Natera, Inc.
Classification: Likely pathogenic for Alpha thalassemia. Last evaluated: 2025-04-18. Review status: criteria provided, single submitter. Criteria: Natera Variant Classification Schema (03/2026). Collection method: clinical testing. Allele origin: germline.
Comment: The c.1delA variant in HBA1 is predicted to result in start loss due to disruption of the initiator methionine. This variant is expected to result in nonsense mediated decay, truncation, or a dysfunctional protein product. This variant is rare in the general population with a frequency below the threshold expected for the associated phenotype(s). Given the available evidence, this variant is classified as Likely Pathogenic.

NM_000558.5(HBA1):c.1del (p.Met1fs)

Genes: HBA1 (hemoglobin subunit alpha 1; plus strand), LOC106804613 (hemoglobin subunit alpha 1 recombination region; plus strand). Cytogenetic location: 16p13.3.
Variant type: Deletion.
Coding change: c.1del on transcript NM_000558.5 (MANE Select); coding-DNA position 1, one base deleted (A; older notation c.1delA).
Protein change: p.Met1fs; shifts the reading frame from methionine 1.
Molecular consequence: frameshift variant, initiator codon variant.
Genome position (GRCh38, 1-based): chr16:176,717, A deleted. VCF-style (leftmost placement, unchanged base first): chr16-176716-CA-C. GRCh37 (hg19) VCF-style: chr16-226715-CA-C.
Other names: short protein forms M1fs.
Identifiers: ClinVar variation 4814388 (VCV004814388.1).